The following is an entry in ClinVar:

ClinVar aggregate classification (germline): Uncertain significance (1 of 4 stars; one submission).

Allele frequency attached by ClinVar (database versions not stated): gnomAD 0.00001.
gnomAD v4.1: 3 of 1,614,180 alleles (0.00019%); highest among the groups gnomAD compares: Middle Eastern, 0.033%; no homozygotes.

Submission:

Labcorp Genetics (formerly Invitae), Labcorp
Classification: Uncertain significance. Last evaluated: 2022-07-06. Review status: criteria provided, single submitter. Criteria: Invitae Variant Classification Sherloc (09022015). Collection method: clinical testing. Allele origin: germline.
Comment: In summary, the available evidence is currently insufficient to determine the role of this variant in disease. Therefore, it has been classified as a Variant of Uncertain Significance. Algorithms developed to predict the effect of missense changes on protein structure and function are either unavailable or do not agree on the potential impact of this missense change (SIFT: "Not Available"; PolyPhen-2: "Benign"; Align-GVGD: "Not Available"). This variant has not been reported in the literature in individuals affected with TOP3A-related conditions. This variant is not present in population databases (gnomAD no frequency). This sequence change replaces histidine, which is basic and polar, with tyrosine, which is neutral and polar, at codon 988 of the TOP3A protein (p.His988Tyr).

NM_004618.5(TOP3A):c.2962C>T (p.His988Tyr)

Gene: TOP3A (DNA topoisomerase III alpha; minus strand). Cytogenetic location: 17p11.2.
Variant type: single nucleotide variant.
Coding change: c.2962C>T on transcript NM_004618.5 (MANE Select); coding-DNA position 2962, C replaced by T.
Protein change: p.His988Tyr; replaces histidine 988 with tyrosine.
Molecular consequence: missense variant.
Genome position (GRCh38, 1-based): chr17:18,274,846, G>A on the plus strand (C>T on the coding strand, the complement: TOP3A is on the minus strand). VCF-style: chr17-18274846-G-A. GRCh37 (hg19) VCF-style: chr17-18178160-G-A.
Other names: c.2677C>T, p.His893Tyr (NM_001320759.2); short protein forms H893Y, H988Y.
Identifiers: ClinVar variation 1955966 (VCV001955966.5), dbSNP rs2142924345, ClinGen allele CA398620925.
Genomic context (GRCh38, chr17:18,274,846, plus strand): 5'-CTACCCTACCCTGAGCTCATCTGTTCTGAGGACAAAAGGGACGGGTGTGTCCAGGCTGGT[G>A]GCAAAGGCTGCATTTCCGGGGTTTCTTTGCTGTGGACCCCATGTCTGAGGAACTGGCCCG-3'
Protein context (NP_004609.1, residues 978-998): AKKPRKCSLC[His988Tyr]QPGHTRPFCP